The following is an entry in ClinVar:

NM_002633.3(PGM1):c.1083T>C (p.Phe361=)

Gene: PGM1 (phosphoglucomutase 1; plus strand). Cytogenetic location: 1p31.3.
Variant type: single nucleotide variant.
Coding change: c.1083T>C on transcript NM_002633.3 (MANE Select); coding-DNA position 1083, T replaced by C.
Protein change: p.Phe361=; no amino-acid change (phenylalanine 361 retained).
Molecular consequence: synonymous variant.
Genome position (GRCh38, 1-based): chr1:63,638,739, T>C. VCF-style: chr1-63638739-T-C. GRCh37 (hg19) VCF-style: chr1-64104410-T-C.
Other names: c.1137T>C, p.Phe379= (NM_001172818.1); c.492T>C, p.Phe164= (NM_001172819.2).
Identifiers: ClinVar variation 1941876 (VCV001941876.5), dbSNP rs959308468, ClinGen allele CA23825856.

ClinVar aggregate classification (germline): Uncertain significance (1 of 4 stars; one submission).

Conditions:
PGM1-congenital disorder of glycosylation. Also called: Congenital disorder of glycosylation type 1t; GLYCOGEN STORAGE DISEASE XIV; GSD XIV; CDG It; PHOSPHOGLUCOMUTASE 1 DEFICIENCY; PGM1 DEFICIENCY. Identifiers: Orphanet 319646, MedGen C2752015, MONDO:0013968, OMIM 614921.

Allele frequency attached by ClinVar (database versions not stated): TOPMed below 0.00001; gnomAD exomes 0.00001.
gnomAD v4.1: 14 of 1,614,100 alleles (0.00087%); highest among the groups gnomAD compares: Non-Finnish European, 0.0011%; no homozygotes.

Submission:

Labcorp Genetics (formerly Invitae), Labcorp
Classification: Uncertain significance for PGM1-congenital disorder of glycosylation. Last evaluated: 2022-05-28. Review status: criteria provided, single submitter. Criteria: Invitae Variant Classification Sherloc (09022015). Collection method: clinical testing. Allele origin: germline.
Comment: This sequence change affects codon 361 of the PGM1 mRNA. It is a 'silent' change, meaning that it does not change the encoded amino acid sequence of the PGM1 protein. This variant is present in population databases (no rsID available, gnomAD 0.0009%). This variant has not been reported in the literature in individuals affected with PGM1-related conditions. Algorithms developed to predict the effect of sequence changes on RNA splicing suggest that this variant may create or strengthen a splice site. In summary, the available evidence is currently insufficient to determine the role of this variant in disease. Therefore, it has been classified as a Variant of Uncertain Significance.